The following is an entry in ClinVar:

NM_002184.4(IL6ST):c.1375G>A (p.Val459Met)

Gene: IL6ST (interleukin 6 cytokine family signal transducer; minus strand). Cytogenetic location: 5q11.2.
Variant type: single nucleotide variant.
Coding change: c.1375G>A on transcript NM_002184.4 (MANE Select); coding-DNA position 1375, G replaced by A.
Protein change: p.Val459Met; replaces valine 459 with methionine.
Molecular consequence: missense variant. On other transcripts: 3 prime UTR variant (1), non-coding transcript variant (2), intron variant (1).
Genome position (GRCh38, 1-based): chr5:55,954,885, C>T on the plus strand (G>A on the coding strand, the complement: IL6ST is on the minus strand). VCF-style: chr5-55954885-C-T. GRCh37 (hg19) VCF-style: chr5-55250713-C-T.
Other names: c.1375G>A (NM_002184.3); c.1375G>A, p.Val459Met (NM_001364275.2); c.1165G>A, p.Val389Met (NM_001364276.2); c.508G>A, p.Val170Met (NM_001364277.2); c.472G>A, p.Val158Met (NM_001364278.2); c.379G>A, p.Val127Met (NM_001364279.2); c.*302G>A (NM_175767.3); c.1267+1140G>A (NM_001190981.2); short protein forms V158M, V459M, V127M, V389M, V170M.
Identifiers: ClinVar variation 1513259 (VCV001513259.9), dbSNP rs369431167, ClinGen allele CA3271439.

ClinVar aggregate classification (germline): Uncertain significance. Review status: criteria provided, multiple submitters, no conflicts (2 of 4 stars). 2 submissions from 2 submitters: Uncertain significance (2). Last evaluated 2024-06-25.

Allele frequency attached by ClinVar (database versions not stated): ExAC 0.00001; gnomAD exomes 0.00001; TOPMed 0.00005; gnomAD 0.00007; ESP Exome Variant Server 0.00008.
gnomAD v4.1: 13 of 1,613,402 alleles (0.00081%); highest among the groups gnomAD compares: African/African-American, 0.017%; no homozygotes.

Submissions (2):

Ambry Genetics
Classification: Uncertain significance. Last evaluated: 2024-06-25. Review status: criteria provided, single submitter. Criteria: Ambry Variant Classification Scheme 2023. Collection method: clinical testing. Allele origin: germline.

Labcorp Genetics (formerly Invitae), Labcorp
Classification: Uncertain significance. Last evaluated: 2022-06-13. Review status: criteria provided, single submitter. Criteria: Invitae Variant Classification Sherloc (09022015). Collection method: clinical testing. Allele origin: germline.
Comment: This sequence change replaces valine, which is neutral and non-polar, with methionine, which is neutral and non-polar, at codon 459 of the IL6ST protein (p.Val459Met). In summary, the available evidence is currently insufficient to determine the role of this variant in disease. Therefore, it has been classified as a Variant of Uncertain Significance. Algorithms developed to predict the effect of missense changes on protein structure and function (SIFT, PolyPhen-2, Align-GVGD) all suggest that this variant is likely to be tolerated. This variant has not been reported in the literature in individuals affected with IL6ST-related conditions. This variant is present in population databases (rs369431167, gnomAD 0.01%).